The following is an entry in ClinVar:

NM_000257.4(MYH7):c.4526T>A (p.Ile1509Asn)

Genes: MHRT (myosin heavy chain associated RNA transcript; plus strand), MYH7 (myosin heavy chain 7; minus strand). Cytogenetic location: 14q11.2.
Variant type: single nucleotide variant.
Coding change: c.4526T>A on transcript NM_000257.4 (MANE Select); coding-DNA position 4526, T replaced by A.
Protein change: p.Ile1509Asn; replaces isoleucine 1509 with asparagine.
Molecular consequence: missense variant. On other transcripts: non-coding transcript variant (1).
Genome position (GRCh38, 1-based): chr14:23,416,986, A>T on the plus strand (T>A on the coding strand, the complement: MYH7 is on the minus strand). VCF-style: chr14-23416986-A-T. GRCh37 (hg19) VCF-style: chr14-23886195-A-T.
Other names: short protein forms I1509N.
Identifiers: ClinVar variation 1484864 (VCV001484864.6), dbSNP rs2138644579, ClinGen allele CA389038214.

ClinVar aggregate classification (germline): Uncertain significance (1 of 4 stars; one submission).

Conditions:
Hypertrophic cardiomyopathy. Also called: HYPERTROPHIC MYOCARDIOPATHY. Identifiers: Orphanet 217569, MedGen C0007194, MeSH D002312, MONDO:0005045, HP:0001639.

Submission:

Labcorp Genetics (formerly Invitae), Labcorp
Classification: Uncertain significance for Hypertrophic cardiomyopathy. Last evaluated: 2024-09-01. Review status: criteria provided, single submitter. Criteria: Invitae Variant Classification Sherloc (09022015). Collection method: clinical testing. Allele origin: germline.
Comment: This sequence change replaces isoleucine, which is neutral and non-polar, with asparagine, which is neutral and polar, at codon 1509 of the MYH7 protein (p.Ile1509Asn). This variant is not present in population databases (gnomAD no frequency). This variant has not been reported in the literature in individuals affected with MYH7-related conditions. ClinVar contains an entry for this variant (Variation ID: 1484864). Invitae Evidence Modeling of protein sequence and biophysical properties (such as structural, functional, and spatial information, amino acid conservation, physicochemical variation, residue mobility, and thermodynamic stability) indicates that this missense variant is expected to disrupt MYH7 protein function with a positive predictive value of 95%. In summary, the available evidence is currently insufficient to determine the role of this variant in disease. Therefore, it has been classified as a Variant of Uncertain Significance.